The following is an entry in ClinVar:

ClinVar aggregate classification (germline): Uncertain significance. Review status: criteria provided, multiple submitters, no conflicts (2 of 4 stars). 2 submissions from 2 submitters: Uncertain significance (2). Last evaluated 2025-08-02.

Conditions:
Inborn genetic diseases. Identifiers: MedGen C0950123, MeSH D030342.

Allele frequency attached by ClinVar (database versions not stated): gnomAD 0.00001; TOPMed 0.00007.
gnomAD v4.1: 47 of 1,609,946 alleles (0.0029%); highest among the groups gnomAD compares: Middle Eastern, 0.016%; no homozygotes.

Submissions (2):

Ambry Genetics
Classification: Uncertain significance for Inborn genetic diseases. Last evaluated: 2025-08-02. Review status: criteria provided, single submitter. Criteria: Ambry Variant Classification Scheme 2023. Collection method: clinical testing. Allele origin: germline.

Labcorp Genetics (formerly Invitae), Labcorp
Classification: Uncertain significance. Last evaluated: 2024-10-22. Review status: criteria provided, single submitter. Criteria: Invitae Variant Classification Sherloc (09022015). Collection method: clinical testing. Allele origin: germline.
Comment: This sequence change replaces arginine, which is basic and polar, with histidine, which is basic and polar, at codon 332 of the COL18A1 protein (p.Arg332His). This variant is present in population databases (rs765035951, gnomAD 0.01%). This variant has not been reported in the literature in individuals affected with COL18A1-related conditions. ClinVar contains an entry for this variant (Variation ID: 1399697). Experimental studies and prediction algorithms are not available or were not evaluated, and the functional significance of this variant is currently unknown. In summary, the available evidence is currently insufficient to determine the role of this variant in disease. Therefore, it has been classified as a Variant of Uncertain Significance.

NM_001379500.1(COL18A1):c.995G>A (p.Arg332His)

Gene: COL18A1 (collagen type XVIII alpha 1 chain; plus strand). Cytogenetic location: 21q22.3.
Variant type: single nucleotide variant.
Coding change: c.995G>A on transcript NM_001379500.1 (MANE Select); coding-DNA position 995, G replaced by A.
Protein change: p.Arg332His; replaces arginine 332 with histidine.
Molecular consequence: missense variant.
Genome position (GRCh38, 1-based): chr21:45,477,477, G>A. VCF-style: chr21-45477477-G-A. GRCh37 (hg19) VCF-style: chr21-46897391-G-A.
Other names: NM_130445.2:c.995G>A; c.1535G>A, p.Arg512His (NM_030582.4); c.2240G>A, p.Arg747His (NM_130444.3); short protein forms R332H, R512H, R747H.
Identifiers: ClinVar variation 1399697 (VCV001399697.6), dbSNP rs765035951, ClinGen allele CA10066041.